The following is an entry in ClinVar:

ClinVar aggregate classification (germline): Uncertain significance (1 of 4 stars; one submission).

Conditions:
Myofibrillar myopathy 5. Also called: Filaminopathy (type); FILAMINOPATHY, AUTOSOMAL DOMINANT. Identifiers: Orphanet 171445, MedGen C1836050, MONDO:0012289, OMIM 609524.
Distal myopathy with posterior leg and anterior hand involvement. Also called: WILLIAMS DISTAL MYOPATHY. Identifiers: Orphanet 63273, MedGen C3279722, MONDO:0013550, OMIM 614065.
Hypertrophic cardiomyopathy 26. Also called: Cardiomyopathy, familial hypertrophic, 26. Identifiers: Orphanet 75249, MedGen C4310749, MONDO:0014883, OMIM 617047.

Submission:

Labcorp Genetics (formerly Invitae), Labcorp
Classification: Uncertain significance for Distal myopathy with posterior leg and anterior hand involvement; Myofibrillar myopathy 5; Hypertrophic cardiomyopathy 26. Last evaluated: 2022-07-31. Review status: criteria provided, single submitter. Criteria: Invitae Variant Classification Sherloc (09022015). Collection method: clinical testing. Allele origin: germline.
Comment: This variant is not present in population databases (gnomAD no frequency). This variant has not been reported in the literature in individuals affected with FLNC-related conditions. Algorithms developed to predict the effect of missense changes on protein structure and function are either unavailable or do not agree on the potential impact of this missense change (SIFT: "Deleterious"; PolyPhen-2: "Benign"; Align-GVGD: "Class C0"). In summary, the available evidence is currently insufficient to determine the role of this variant in disease. Therefore, it has been classified as a Variant of Uncertain Significance. This sequence change replaces glutamine, which is neutral and polar, with proline, which is neutral and non-polar, at codon 2166 of the FLNC protein (p.Gln2166Pro).

NM_001458.5(FLNC):c.6497A>C (p.Gln2166Pro)

Genes: FLNC-AS1 (FLNC antisense RNA 1; minus strand), FLNC (filamin C; plus strand). Cytogenetic location: 7q32.1.
Variant type: single nucleotide variant.
Coding change: c.6497A>C on transcript NM_001458.5 (MANE Select); coding-DNA position 6497, A replaced by C.
Protein change: p.Gln2166Pro; replaces glutamine 2166 with proline.
Molecular consequence: missense variant.
Genome position (GRCh38, 1-based): chr7:128,853,986, A>C. VCF-style: chr7-128853986-A-C. GRCh37 (hg19) VCF-style: chr7-128494040-A-C.
Other names: c.6398A>C, p.Gln2133Pro (NM_001127487.2); short protein forms Q2133P, Q2166P.
Identifiers: ClinVar variation 1714617 (VCV001714617.6), dbSNP rs2536663475, ClinGen allele CA369212688.